The following is an entry in ClinVar:

ClinVar aggregate classification (germline): Uncertain significance (1 of 4 stars; one submission).

Conditions:
Fanconi anemia complementation group O. Also called: RAD51C-Related Fanconi Anemia. Identifiers: Orphanet 84, MedGen C3150653, MONDO:0013248, OMIM 613390.

Submission:

Labcorp Genetics (formerly Invitae), Labcorp
Classification: Uncertain significance for Fanconi anemia complementation group O. Last evaluated: 2023-06-09. Review status: criteria provided, single submitter. Criteria: Invitae Variant Classification Sherloc (09022015). Collection method: clinical testing. Allele origin: germline.
Comment: In summary, the available evidence is currently insufficient to determine the role of this variant in disease. Therefore, it has been classified as a Variant of Uncertain Significance. Algorithms developed to predict the effect of sequence changes on RNA splicing suggest that this variant may disrupt the consensus splice site. This variant has not been reported in the literature in individuals affected with RAD51C-related conditions. This variant is not present in population databases (gnomAD no frequency). This sequence change falls in intron 3 of the RAD51C gene. It does not directly change the encoded amino acid sequence of the RAD51C protein.

NM_058216.3(RAD51C):c.572-5T>C

Gene: RAD51C (RAD51 paralog C; plus strand). Cytogenetic location: 17q22.
Variant type: single nucleotide variant.
Coding change: c.572-5T>C on transcript NM_058216.3 (MANE Select); 5 bases into the intron before coding-DNA position 572, T replaced by C.
Molecular consequence: intron variant.
Genome position (GRCh38, 1-based): chr17:58,703,191, T>C. VCF-style: chr17-58703191-T-C. GRCh37 (hg19) VCF-style: chr17-56780552-T-C.
Identifiers: ClinVar variation 2699114 (VCV002699114.3), dbSNP rs2143796292, ClinGen allele CA2697560122.